The following is an entry in ClinVar:

NM_016222.4(DDX41):c.305_306del (p.Lys102fs)

Gene: DDX41 (DEAD-box helicase 41; minus strand). Cytogenetic location: 5q35.3.
Variant type: Deletion.
Coding change: c.305_306del on transcript NM_016222.4 (MANE Select); coding-DNA positions 305 to 306, 2 bases deleted (AA; older notation c.305_306delAA).
Protein change: p.Lys102fs; shifts the reading frame from lysine 102.
Molecular consequence: frameshift variant. On other transcripts: 5 prime UTR variant (2).
Genome position (GRCh38, 1-based): chr5:177,516,186-177,516,187, TT deleted on the plus strand (AA on the coding strand, the reverse complement: DDX41 is on the minus strand); deleting any 2 consecutive bases within chr5:177,516,186-177,516,188 gives the same sequence; the c. name uses the placement nearest the transcript's 3' end. VCF-style (leftmost placement, unchanged base first): chr5-177516185-CTT-C. GRCh37 (hg19) VCF-style: chr5-176943186-CTT-C.
Other names: c.-74_-73del (NM_001321732.2, NM_001321830.2); c.305_306delAA (NM_016222.2, NM_016222.3); short protein forms K102fs.
Identifiers: ClinVar variation 1069187 (VCV001069187.20), dbSNP rs760059747, ClinGen allele CA3585262.
Genomic context (GRCh38, chr5:177,516,185, plus strand): 5'-CCTCGGCAACACTCTCCAGGATCTTCTCTTCTTCCTTCAGCTGCTTCTCCTTGGCAGACT[CTT>C]TGCGCGCTGAGAAAAGAAGTGGAAGATGTCAGACAGATACCAAAACGGTGTACCAGGCTC-3'

ClinVar aggregate classification (germline): Pathogenic/Likely pathogenic. Review status: criteria provided, multiple submitters, no conflicts (2 of 4 stars). 9 submissions from 9 submitters: Pathogenic (6); Likely pathogenic (3). Last evaluated 2026-09-08.

Conditions:
DDX41-related disorder. Also called: DDX41-related condition.
Inborn genetic diseases. Identifiers: MedGen C0950123, MeSH D030342.
DDX41-related disorders.
DDX41-related hematologic malignancy predisposition syndrome. Also called: DDX41-Associated Familial Myelodysplastic Syndrome and Acute Myeloid Leukemia; Myeloproliferative/lymphoproliferative neoplasms, familial (multiple types), susceptibility to. Identifiers: Orphanet 488647, MedGen C4225174, MONDO:0014809, OMIM 616871.

Submissions (9):

PreventionGenetics, part of Exact Sciences
Classification: Pathogenic for DDX41-related condition. Last evaluated: 2026-09-08. Review status: criteria provided, single submitter. Criteria: ACMG Guidelines, 2015. Collection method: clinical testing. Allele origin: germline.
Comment: The DDX41 c.305_306delAA variant is predicted to result in a frameshift and premature protein termination (p.Lys102Argfs*32). This variant has been reported in individuals with acute myeloid leukemia and/or myelodysplastic syndrome with many of these individuals having a co-occurring somatic DDX41 variant (Supplemental information, Alkhateeb et al. 2022. PubMed ID: 34644397; Supplemental table 3, Molteni et al. 2023. PubMed ID: 37216690; Kusne et al. 2025. PubMed ID: 40040251; Supplemental information, Makishima et al. 2023. PubMed ID: 36322930). This variant is reported in 0.0054% of alleles in individuals of East Asian descent in gnomAD and is classified as likely pathogenic or pathogenic in ClinVar (Variation ID: 1069187). Frameshift variants in DDX41 are expected to be pathogenic. This variant is interpreted as pathogenic.

Labcorp Genetics (formerly Invitae), Labcorp
Classification: Pathogenic. Last evaluated: 2025-12-10. Review status: criteria provided, single submitter. Criteria: Invitae Variant Classification Sherloc (09022015). Collection method: clinical testing. Allele origin: germline.
Comment: This sequence change creates a premature translational stop signal (p.Lys102Argfs*32) in the DDX41 gene. It is expected to result in an absent or disrupted protein product. Loss-of-function variants in DDX41 are known to be pathogenic (PMID: 26712909, 27133828). This variant is present in population databases (rs760059747, gnomAD 0.003%). This variant has not been reported in the literature in individuals affected with DDX41-related conditions. ClinVar contains an entry for this variant (Variation ID: 1069187). For these reasons, this variant has been classified as Pathogenic.

Saint-Louis Hospital, Assistance Publique Hôpitaux de Paris
Classification: Likely pathogenic for DDX41-related hematologic malignancy predisposition syndrome. Last evaluated: 2025-05-13. Review status: criteria provided, single submitter. Criteria: ACMG Guidelines, 2015. Collection method: clinical testing. Allele origin: germline. Affected: yes.
Comment: The variant DDX41 (NM_016222.4):c.305_306del:p.(Lys102ArgfsTer32). It has been reported in individuals with suspected or confirmed predisposition to myeloid malignancies (Alkhateeb et al. 2022 ; Makishima et al, 2023; Molteni et al, 2023 ). This alteration is expected to result in loss of function by premature protein truncation or nonsense-mediated decay, and loss-of-function variants in DDX41 are known to be pathogenic (PMID: 26712909, 27133828). Here, it is associated with a second (somatic) DDX41 mutation in bone marrow, which is a classical route of clonal evolution in DDX41-myeloid malignancies predisposition(Duployez et al, 2022, PMID: 35443031).

Ambry Genetics
Classification: Pathogenic for Inborn genetic diseases. Last evaluated: 2024-12-28. Review status: criteria provided, single submitter. Criteria: Ambry Variant Classification Scheme 2023. Collection method: clinical testing. Allele origin: germline.
Comment: The c.305_306delAA pathogenic mutation, located in coding exon 4 of the DDX41 gene, results from a deletion of two nucleotides at nucleotide positions 305 to 306, causing a translational frameshift with a predicted alternate stop codon (p.K102Rfs*32). This variant has been reported as germline in individual(s) with features consistent with DDX41-related hematologic malignancy predisposition syndrome (Alkhateeb HB et al. Blood Adv, 2022 Jan;6:528-532; Makishima H et al. Blood, 2023 Feb;141:534-549; Molteni E et al. Blood, 2023 Aug;142:643-657). This alteration is expected to result in loss of function by premature protein truncation or nonsense-mediated mRNA decay. As such, this alteration is interpreted as a disease-causing mutation.

GeneDx
Classification: Pathogenic. Last evaluated: 2024-12-09. Review status: criteria provided, single submitter. Criteria: GeneDx Variant Classification Process June 2021. Collection method: clinical testing. Allele origin: germline.
Comment: Frameshift variant predicted to result in protein truncation or nonsense mediated decay in a gene for which loss of function is a known mechanism of disease; Not observed at significant frequency in large population cohorts (gnomAD); This variant is associated with the following publications: (PMID: 26712909, 27133828, 36672294, 34644397, 35443031, 37216690, 37506341)

Blueprint Genetics
Classification: Pathogenic for DDX41-related disorders. Last evaluated: 2024-07-09. Review status: criteria provided, single submitter. Criteria: ACMG Guidelines, 2015. Collection method: clinical testing. Allele origin: germline. Affected: yes. Observed: 3 variant alleles.

Baylor Genetics
Classification: Likely pathogenic for DDX41-related hematologic malignancy predisposition syndrome. Last evaluated: 2023-12-12. Review status: criteria provided, single submitter. Criteria: ACMG Guidelines, 2015. Collection method: clinical testing. Allele origin: unknown.

Fulgent Genetics
Classification: Likely pathogenic for DDX41-related hematologic malignancy predisposition syndrome. Last evaluated: 2021-09-29. Review status: criteria provided, single submitter. Criteria: ACMG Guidelines, 2015. Collection method: clinical testing. Allele origin: unknown.

Genetic Services Laboratory, University of Chicago
Classification: Pathogenic. Last evaluated: 2019-04-10. Review status: criteria provided, single submitter. Criteria: ACMG Guidelines, 2015. Collection method: clinical testing. Allele origin: germline. Affected: yes.
Comment: DNA sequence analysis of the DDX41 gene demonstrated a two base pair deletion in exon 4, c.305_306del. This pathogenic sequence change results in an amino acid frameshift and creates a premature stop codon 31 amino acids downstream of the mutation, p.Lys102Argfs*32. This pathogenic sequence change is predicted to result in an abnormal transcript, which may be degraded, or may lead to the production of a truncated DDX41 protein with potentially abnormal function. This pathogenic sequence change is present at a low frequency in the gnomAD database, being seen in the heterozygous state in four individuals (dbSNP rs760059747). While this particular variant has not been described in other patients with myelodysplastic syndromes/acute myeloid leukemia, other truncating variants in this gene have been described.

Literature cited by the submitters: PubMed 26712909 (cited by Labcorp Genetics (formerly Invitae), Labcorp and Saint-Louis Hospital, Assistance Publique Hôpitaux de Paris); PubMed 27133828 (cited by Labcorp Genetics (formerly Invitae), Labcorp and Saint-Louis Hospital, Assistance Publique Hôpitaux de Paris); PubMed 35443031 (cited by Saint-Louis Hospital, Assistance Publique Hôpitaux de Paris); PubMed 34644397 (cited by Ambry Genetics); PubMed 36322930 (cited by Ambry Genetics); PubMed 37216690 (cited by Ambry Genetics).